The following is an entry in ClinVar:

NM_052961.4(SLC26A8):c.1492A>G (p.Ile498Val)

Gene: SLC26A8 (solute carrier family 26 member 8; minus strand). Cytogenetic location: 6p21.31.
Variant type: single nucleotide variant.
Coding change: c.1492A>G on transcript NM_052961.4 (MANE Select); coding-DNA position 1492, A replaced by G.
Protein change: p.Ile498Val; replaces isoleucine 498 with valine.
Molecular consequence: missense variant.
Genome position (GRCh38, 1-based): chr6:35,961,069, T>C on the plus strand (A>G on the coding strand, the complement: SLC26A8 is on the minus strand). VCF-style: chr6-35961069-T-C. GRCh37 (hg19) VCF-style: chr6-35928846-T-C.
Other names: c.1492A>G, p.Ile498Val (NM_001193476.2); c.1177A>G, p.Ile393Val (NM_138718.3); short protein forms I393V, I498V.
Identifiers: ClinVar variation 711975 (VCV000711975.6), dbSNP rs116528901, ClinGen allele CA3775519.

ClinVar aggregate classification (germline): Likely benign. Review status: criteria provided, multiple submitters, no conflicts (2 of 4 stars). 3 submissions from 3 submitters: Likely benign (2). 1 of the submissions does not count toward it. Last evaluated 2018-10-24.

Conditions:
SLC26A8-related disorder. Also called: SLC26A8-related condition.

Allele frequency attached by ClinVar (database versions not stated): gnomAD exomes 0.00024 and 0.00049; ExAC 0.00054; 1000 Genomes Project 30x 0.00125; 1000 Genomes Project 0.00140; gnomAD 0.00166 and 0.00180; TOPMed 0.00195; ESP Exome Variant Server 0.00208.
gnomAD v4.1: 634 of 1,613,942 alleles (0.039%); highest among the groups gnomAD compares: African/African-American, 0.51%; 2 homozygotes.

Submissions (3):

Labcorp Genetics (formerly Invitae), Labcorp
Classification: Likely benign. Last evaluated: 2018-10-24. Review status: criteria provided, single submitter. Criteria: Invitae Variant Classification Sherloc (09022015). Collection method: clinical testing. Allele origin: germline.

Breakthrough Genomics
Classification: Likely benign. Review status: criteria provided, single submitter. Criteria: ACMG Guidelines, 2015. Collection method: not provided. Allele origin: germline. Inheritance: Autosomal dominant inheritance. Affected: yes.

PreventionGenetics, part of Exact Sciences
Classification: Benign for SLC26A8-related condition. Last evaluated: 2019-08-21. Review status: no assertion criteria provided. Collection method: clinical testing. Allele origin: germline. Not counted in ClinVar's aggregate classification.
Comment: This variant is classified as benign based on ACMG/AMP sequence variant interpretation guidelines (Richards et al. 2015 PMID: 25741868, with internal and published modifications).